The following is an entry in ClinVar:

NM_000127.3(EXT1):c.1948G>A (p.Ala650Thr)

Gene: EXT1 (exostosin glycosyltransferase 1; minus strand). Cytogenetic location: 8q24.11.
Variant type: single nucleotide variant.
Coding change: c.1948G>A on transcript NM_000127.3 (MANE Select); coding-DNA position 1948, G replaced by A.
Protein change: p.Ala650Thr; replaces alanine 650 with threonine.
Molecular consequence: missense variant.
Genome position (GRCh38, 1-based): chr8:117,804,829, C>T on the plus strand (G>A on the coding strand, the complement: EXT1 is on the minus strand). VCF-style: chr8-117804829-C-T. GRCh37 (hg19) VCF-style: chr8-118817068-C-T.
Other names: short protein forms A650T.
Identifiers: ClinVar variation 1994838 (VCV001994838.4), dbSNP rs2129693855, ClinGen allele CA371877353.

ClinVar aggregate classification (germline): Uncertain significance (1 of 4 stars; one submission).

Conditions:
Multiple congenital exostosis (EXT). Also called: Hereditary multiple exostoses; Hereditary multiple exostosis; Multiple osteochondromas; Hereditary multiple osteochondromas; Multiple exostoses; MULTIPLE CARTILAGINOUS EXOSTOSES. Identifiers: Orphanet 321, MedGen C0015306, MONDO:0005508, HP:0002762.

Submission:

Labcorp Genetics (formerly Invitae), Labcorp
Classification: Uncertain significance for Multiple congenital exostosis. Last evaluated: 2022-05-15. Review status: criteria provided, single submitter. Criteria: Invitae Variant Classification Sherloc (09022015). Collection method: clinical testing. Allele origin: germline.
Comment: In summary, the available evidence is currently insufficient to determine the role of this variant in disease. Therefore, it has been classified as a Variant of Uncertain Significance. Advanced modeling of protein sequence and biophysical properties (such as structural, functional, and spatial information, amino acid conservation, physicochemical variation, residue mobility, and thermodynamic stability) performed at Invitae indicates that this missense variant is not expected to disrupt EXT1 protein function. This variant has not been reported in the literature in individuals affected with EXT1-related conditions. This variant is not present in population databases (gnomAD no frequency). This sequence change replaces alanine, which is neutral and non-polar, with threonine, which is neutral and polar, at codon 650 of the EXT1 protein (p.Ala650Thr).